The following is an entry in ClinVar:

ClinVar aggregate classification (germline): Uncertain significance. Review status: criteria provided, single submitter (1 of 4 stars). 2 submissions from 2 submitters: Uncertain significance (1). 1 of the submissions does not count toward it. Last evaluated 2024-02-14.

Conditions:
CEP290-related disorder. Also called: CEP290-related disorders; CEP290-related condition. Identifiers: MedGen CN239314.
Leber congenital amaurosis 10 (LCA10). Identifiers: Orphanet 65, MedGen C1857821, MONDO:0012723, OMIM 611755.
Joubert syndrome 5 (JBTS5). Identifiers: Orphanet 2318, MedGen C1857780, MONDO:0012432, OMIM 610188.
Bardet-Biedl syndrome 14 (BBS14). Identifiers: Orphanet 110, MedGen C2673874, MONDO:0014442, OMIM 615991.
Meckel syndrome, type 4 (MKS4). Also called: MECKEL-GRUBER SYNDROME, TYPE 4. Identifiers: Orphanet 564, MedGen C1970161, MONDO:0012626, OMIM 611134.
Senior-Loken syndrome 6 (SLSN6). Identifiers: Orphanet 3156, MedGen C1857779, MONDO:0012433, OMIM 610189.

Submissions (2):

Fulgent Genetics
Classification: Uncertain significance for Joubert syndrome 5; Senior-Loken syndrome 6; Meckel syndrome, type 4; Leber congenital amaurosis 10; Bardet-Biedl syndrome 14. Last evaluated: 2024-02-14. Review status: criteria provided, single submitter. Criteria: ACMG Guidelines, 2015. Collection method: clinical testing. Allele origin: germline.

PreventionGenetics, part of Exact Sciences
Classification: Uncertain significance for CEP290-related condition. Last evaluated: 2024-03-15. Review status: no assertion criteria provided. Collection method: clinical testing. Allele origin: germline. Not counted in ClinVar's aggregate classification.
Comment: The CEP290 c.2269A>G variant is predicted to result in the amino acid substitution p.Asn757Asp. To our knowledge, this variant has not been reported in the literature or in a large population database, indicating this variant is rare. At this time, the clinical significance of this variant is uncertain due to the absence of conclusive functional and genetic evidence.

NM_025114.4(CEP290):c.2269A>G (p.Asn757Asp)

Gene: CEP290 (centrosomal protein 290; minus strand). Cytogenetic location: 12q21.32.
Variant type: single nucleotide variant.
Coding change: c.2269A>G on transcript NM_025114.4 (MANE Select); coding-DNA position 2269, A replaced by G.
Protein change: p.Asn757Asp; replaces asparagine 757 with aspartic acid.
Molecular consequence: missense variant.
Genome position (GRCh38, 1-based): chr12:88,111,300, T>C on the plus strand (A>G on the coding strand, the complement: CEP290 is on the minus strand). VCF-style: chr12-88111300-T-C. GRCh37 (hg19) VCF-style: chr12-88505077-T-C.
Other names: short protein forms N757D.
Identifiers: ClinVar variation 3348334 (VCV003348334.2).
Genomic context (GRCh38, chr12:88,111,300, plus strand): 5'-TGATACTGGCACTAGATGGTGCTATCCCATCAGGTAAGTCAATTCCTTTAAAAACAACAT[T>C]TGATCCTTCTGATTGTCGTAAAAGACTAGTTTCTTTTTCAAGATGGTCTATCTGGAAAAA-3'
Protein context (NP_079390.3, residues 747-767): TSLLRQSEGS[Asn757Asp]VVFKGIDLPD